The following is an entry in ClinVar:

ClinVar aggregate classification (germline): Uncertain significance (1 of 4 stars; one submission).

Allele frequency attached by ClinVar (database versions not stated): gnomAD 0.00007 and 0.00008; TOPMed 0.00012.
gnomAD v4.1: 33 of 1,613,916 alleles (0.002%); highest among the groups gnomAD compares: African/African-American, 0.035%; no homozygotes.

Submission:

Labcorp Genetics (formerly Invitae), Labcorp
Classification: Uncertain significance. Last evaluated: 2023-10-13. Review status: criteria provided, single submitter. Criteria: Invitae Variant Classification Sherloc (09022015). Collection method: clinical testing. Allele origin: germline.
Comment: This sequence change replaces proline, which is neutral and non-polar, with threonine, which is neutral and polar, at codon 521 of the FERMT1 protein (p.Pro521Thr). The frequency data for this variant in the population databases is considered unreliable, as metrics indicate poor data quality at this position in the gnomAD database. This variant has not been reported in the literature in individuals affected with FERMT1-related conditions. ClinVar contains an entry for this variant (Variation ID: 1053391). Advanced modeling of protein sequence and biophysical properties (such as structural, functional, and spatial information, amino acid conservation, physicochemical variation, residue mobility, and thermodynamic stability) has been performed at Invitae for this missense variant, however the output from this modeling did not meet the statistical confidence thresholds required to predict the impact of this variant on FERMT1 protein function. In summary, the available evidence is currently insufficient to determine the role of this variant in disease. Therefore, it has been classified as a Variant of Uncertain Significance.

NM_017671.5(FERMT1):c.1561C>A (p.Pro521Thr)

Gene: FERMT1 (FERM domain containing kindlin 1; minus strand). Cytogenetic location: 20p12.3.
Variant type: single nucleotide variant.
Coding change: c.1561C>A on transcript NM_017671.5 (MANE Select); coding-DNA position 1561, C replaced by A.
Protein change: p.Pro521Thr; replaces proline 521 with threonine.
Molecular consequence: missense variant.
Genome position (GRCh38, 1-based): chr20:6,085,098, G>T on the plus strand (C>A on the coding strand, the complement: FERMT1 is on the minus strand). VCF-style: chr20-6085098-G-T. GRCh37 (hg19) VCF-style: chr20-6065745-G-T.
Other names: short protein forms P521T.
Identifiers: ClinVar variation 1053391 (VCV001053391.7), dbSNP rs143843663, ClinGen allele CA9758117.